The following is an entry in ClinVar:

NM_001110556.2(FLNA):c.1029C>T (p.Ser343=)

Gene: FLNA (filamin A; minus strand). Cytogenetic location: Xq28.
Variant type: single nucleotide variant.
Coding change: c.1029C>T on transcript NM_001110556.2 (MANE Select); coding-DNA position 1029, C replaced by T.
Protein change: p.Ser343=; no amino-acid change (serine 343 retained).
Molecular consequence: synonymous variant.
Genome position (GRCh38, 1-based): chrX:154,366,598, G>A on the plus strand (C>T on the coding strand, the complement: FLNA is on the minus strand). VCF-style: chrX-154366598-G-A. GRCh37 (hg19) VCF-style: chrX-153594966-G-A.
Other names: p.Ser343=; c.1029C>T, p.Ser343= (NM_001456.4).
Identifiers: ClinVar variation 198468 (VCV000198468.79), dbSNP rs199853721, ClinGen allele CA211152.

ClinVar aggregate classification (germline): Conflicting classifications of pathogenicity. Review status: criteria provided, conflicting classifications (1 of 4 stars). 14 submissions from 14 submitters: Uncertain significance (1); Benign (7); Likely benign (3). 3 of the submissions do not count toward it. Last evaluated 2026-02-01.

Conditions:
Melnick-Needles syndrome (MNS). Also called: MELNICK-NEEDLES OSTEODYSPLASTY; OSTEODYSPLASTY OF MELNICK AND NEEDLES; Melnick-Needles Syndrome (FLNA-MNS). Identifiers: Orphanet 2484, MedGen C0025237, MONDO:0010650, OMIM 309350.
Heterotopia, periventricular, X-linked dominant (PVNH1). Also called: PERIVENTRICULAR NODULAR HETEROTOPIA 4; HETEROTOPIA, PERIVENTRICULAR, 1; X-linked periventricular heterotopia; PERIVENTRICULAR NODULAR HETEROTOPIA 1. Identifiers: Orphanet 2149, Orphanet 82004, MedGen C1848213, MONDO:0010233, OMIM 300049.
Frontometaphyseal dysplasia (FMD1). Identifiers: Orphanet 1826, MedGen C0265293, MONDO:0015942.
Oto-palato-digital syndrome, type II (OPD2). Also called: FACIOPALATOOSSEOUS SYNDROME; Otopalatodigital Syndrome, Type II; OPD II SYNDROME; Otopalatodigital Syndrome Type 2 (FLNA-OPD2). Identifiers: Orphanet 669, Orphanet 90652, MedGen C1844696, MONDO:0010571, OMIM 304120.
Familial thoracic aortic aneurysm and aortic dissection (TAAD). Also called: Thoracic aortic aneurysms and dissections. Identifiers: Orphanet 91387, MedGen C4707243, MONDO:0019625.

Allele frequency attached by ClinVar (database versions not stated): 1000 Genomes Project 30x 0.00021; 1000 Genomes Project 0.00026; ESP Exome Variant Server 0.00060; ExAC 0.00079; gnomAD exomes 0.00092; gnomAD 0.00108 and 0.00118; TOPMed 0.00111.
gnomAD v4.1: 1,851 of 1,210,788 alleles (0.15%); highest among the groups gnomAD compares: Non-Finnish European, 0.19%; 3 homozygotes.

Submissions (14):

Labcorp Genetics (formerly Invitae), Labcorp
Classification: Benign for Oto-palato-digital syndrome, type II; Heterotopia, periventricular, X-linked dominant; Frontometaphyseal dysplasia; Melnick-Needles syndrome. Last evaluated: 2026-02-01. Review status: criteria provided, single submitter. Criteria: Invitae Variant Classification Sherloc (09022015). Collection method: clinical testing. Allele origin: germline.

Athena Diagnostics
Classification: Benign. Last evaluated: 2024-12-04. Review status: criteria provided, single submitter. Criteria: Athena Diagnostics Criteria. Collection method: clinical testing. Allele origin: unknown.
Comment: The frequency of this variant in the general population is higher than would generally be expected for pathogenic variants in this gene.

Blueprint Genetics
Classification: Likely benign. Last evaluated: 2024-11-13. Review status: criteria provided, single submitter. Criteria: ACMG Guidelines, 2015. Collection method: clinical testing. Allele origin: germline.

Mayo Clinic Laboratories, Mayo Clinic
Classification: Benign. Last evaluated: 2024-10-24. Review status: criteria provided, single submitter. Criteria: ACMG Guidelines, 2015. Collection method: clinical testing. Allele origin: germline. Observed: 25 variant alleles.
Comment: BS1, BS2, BP4, BP7

ARUP Laboratories, Molecular Genetics and Genomics, ARUP Laboratories
Classification: Benign. Last evaluated: 2024-10-21. Review status: criteria provided, single submitter. Criteria: ARUP Molecular Germline Variant Investigation Process 2024. Collection method: clinical testing. Allele origin: germline.

Women's Health and Genetics/Laboratory Corporation of America, LabCorp
Classification: Benign. Last evaluated: 2023-07-30. Review status: criteria provided, single submitter. Criteria: LabCorp Variant Classification Summary - May 2015. Collection method: clinical testing. Allele origin: germline.

CeGaT Center for Human Genetics Tuebingen
Classification: Likely benign. Last evaluated: 2018-12-01. Review status: criteria provided, single submitter. Criteria: CeGaT Center For Human Genetics Tuebingen Variant Classification Criteria Version 2. Collection method: clinical testing. Allele origin: germline. Affected: yes. Observed: 4 variant alleles.

Eurofins Ntd Llc (ga)
Classification: Benign. Last evaluated: 2017-04-12. Review status: criteria provided, single submitter. Criteria: EGL Classification Definitions 2015. Collection method: clinical testing. Allele origin: germline. Observed: 2 variant alleles, 1 heterozygote, 1 hemizygote.

GeneDx
Classification: Benign. Last evaluated: 2014-11-05. Review status: criteria provided, single submitter. Criteria: GeneDx Variant Classification (06012015). Collection method: clinical testing. Allele origin: germline. Affected: yes.
Comment: This variant is considered likely benign or benign based on one or more of the following criteria: it is a conservative change, it occurs at a poorly conserved position in the protein, it is predicted to be benign by multiple in silico algorithms, and/or has population frequency not consistent with disease.

Ambry Genetics
Classification: Likely benign for Familial thoracic aortic aneurysm and aortic dissection. Last evaluated: 2014-10-08. Review status: criteria provided, single submitter. Criteria: Ambry Variant Classification Scheme 2023. Collection method: clinical testing. Allele origin: germline.

Genetic Services Laboratory, University of Chicago
Classification: Uncertain significance. Last evaluated: 2014-07-18. Review status: criteria provided, single submitter. Criteria: ACMG Guidelines, 2015. Collection method: clinical testing. Allele origin: germline.

Clinical Genetics DNA and cytogenetics Diagnostics Lab, Erasmus MC, Erasmus Medical Center
Classification: Likely benign. Review status: no assertion criteria provided. Collection method: clinical testing. Allele origin: germline. Affected: yes. Study: VKGL Data-share Consensus. Not counted in ClinVar's aggregate classification.

Genome Diagnostics Laboratory, Amsterdam University Medical Center
Classification: Likely benign. Review status: no assertion criteria provided. Collection method: clinical testing. Allele origin: germline. Affected: yes. Study: VKGL Data-share Consensus. Not counted in ClinVar's aggregate classification.

Genome Diagnostics Laboratory, University Medical Center Utrecht
Classification: Likely benign. Review status: no assertion criteria provided. Collection method: clinical testing. Allele origin: germline. Affected: yes. Study: VKGL Data-share Consensus. Not counted in ClinVar's aggregate classification.